The following is an entry in ClinVar:

NM_006019.4(TCIRG1):c.943C>A (p.His315Asn)

Gene: TCIRG1 (T cell immune regulator 1, ATPase H+ transporting V0 subunit a3; plus strand). Cytogenetic location: 11q13.2.
Variant type: single nucleotide variant.
Coding change: c.943C>A on transcript NM_006019.4 (MANE Select); coding-DNA position 943, C replaced by A.
Protein change: p.His315Asn; replaces histidine 315 with asparagine.
Molecular consequence: missense variant.
Genome position (GRCh38, 1-based): chr11:68,044,267, C>A. VCF-style: chr11-68044267-C-A. GRCh37 (hg19) VCF-style: chr11-67811734-C-A.
Other names: c.49C>A, p.His17Asn (NM_001351059.2); c.295C>A, p.His99Asn (NM_006053.4); short protein forms H315N, H99N, H17N.
Identifiers: ClinVar variation 3630242 (VCV003630242.2).

ClinVar aggregate classification (germline): Uncertain significance (1 of 4 stars; one submission).

gnomAD v4.1: 1 of 1,604,668 alleles (0.000062%); no homozygotes.

Submission:

Labcorp Genetics (formerly Invitae), Labcorp
Classification: Uncertain significance. Last evaluated: 2025-01-29. Review status: criteria provided, single submitter. Criteria: Invitae Variant Classification Sherloc (09022015). Collection method: clinical testing. Allele origin: germline.
Comment: This sequence change replaces histidine, which is basic and polar, with asparagine, which is neutral and polar, at codon 315 of the TCIRG1 protein (p.His315Asn). This variant is not present in population databases (gnomAD no frequency). This variant has not been reported in the literature in individuals affected with TCIRG1-related conditions. Invitae Evidence Modeling of protein sequence and biophysical properties (such as structural, functional, and spatial information, amino acid conservation, physicochemical variation, residue mobility, and thermodynamic stability) indicates that this missense variant is not expected to disrupt TCIRG1 protein function with a negative predictive value of 80%. In summary, the available evidence is currently insufficient to determine the role of this variant in disease. Therefore, it has been classified as a Variant of Uncertain Significance.